The following is an entry in ClinVar:

NM_006230.4(POLD2):c.142C>T (p.Arg48Trp)

Gene: POLD2 (DNA polymerase delta 2, accessory subunit; minus strand). Cytogenetic location: 7p13.
Variant type: single nucleotide variant.
Coding change: c.142C>T on transcript NM_006230.4 (MANE Select); coding-DNA position 142, C replaced by T.
Protein change: p.Arg48Trp; replaces arginine 48 with tryptophan.
Molecular consequence: missense variant.
Genome position (GRCh38, 1-based): chr7:44,121,912, G>A on the plus strand (C>T on the coding strand, the complement: POLD2 is on the minus strand). VCF-style: chr7-44121912-G-A. GRCh37 (hg19) VCF-style: chr7-44161511-G-A.
Other names: c.142C>T (NM_001127218.1); c.142C>T, p.Arg48Trp (NM_001127218.3, NM_001256879.2); short protein forms R48W.
Identifiers: ClinVar variation 2184939 (VCV002184939.5), dbSNP rs138987928, ClinGen allele CA4238977.

ClinVar aggregate classification (germline): Uncertain significance. Review status: criteria provided, multiple submitters, no conflicts (2 of 4 stars). 2 submissions from 2 submitters: Uncertain significance (2). Last evaluated 2025-12-30.

Allele frequency attached by ClinVar (database versions not stated): gnomAD 0.00002; TOPMed 0.00004; gnomAD exomes 0.00005; ExAC 0.00006; ESP Exome Variant Server 0.00008; 1000 Genomes Project 30x 0.00016; 1000 Genomes Project 0.00020.
gnomAD v4.1: 74 of 1,613,726 alleles (0.0046%); highest among the groups gnomAD compares: South Asian, 0.044%; 1 homozygote.

Submissions (2):

Labcorp Genetics (formerly Invitae), Labcorp
Classification: Uncertain significance. Last evaluated: 2025-12-30. Review status: criteria provided, single submitter. Criteria: Invitae Variant Classification Sherloc (09022015). Collection method: clinical testing. Allele origin: germline.
Comment: This sequence change replaces arginine, which is basic and polar, with tryptophan, which is neutral and slightly polar, at codon 83 of the POLD2 protein (p.Arg83Trp). This variant is present in population databases (rs138987928, gnomAD 0.04%). This variant has not been reported in the literature in individuals affected with POLD2-related conditions. ClinVar contains an entry for this variant (Variation ID: 2184939). Experimental studies and prediction algorithms are not available or were not evaluated, and the functional significance of this variant is currently unknown. In summary, the available evidence is currently insufficient to determine the role of this variant in disease. Therefore, it has been classified as a Variant of Uncertain Significance.

Ambry Genetics
Classification: Uncertain significance. Last evaluated: 2021-06-22. Review status: criteria provided, single submitter. Criteria: Ambry Variant Classification Scheme 2023. Collection method: clinical testing. Allele origin: germline.